The following is an entry in ClinVar:

NM_031443.4(CCM2):c.48A>T (p.Pro16=)

Gene: CCM2 (CCM2 scaffold protein; plus strand). Cytogenetic location: 7p13.
Variant type: single nucleotide variant.
Coding change: c.48A>T on transcript NM_031443.4 (MANE Select); coding-DNA position 48, A replaced by T.
Protein change: p.Pro16=; no amino-acid change (proline 16 retained).
Molecular consequence: synonymous variant. On other transcripts: non-coding transcript variant (1), intron variant (2).
Genome position (GRCh38, 1-based): chr7:45,038,270, A>T. VCF-style: chr7-45038270-A-T. GRCh37 (hg19) VCF-style: chr7-45077869-A-T.
Other names: c.48A>T (NM_031443.3); c.111A>T, p.Pro37= (NM_001029835.2); c.48A>T, p.Pro16= (NM_001167935.2, NM_001363458.2); c.31-25648A>T (NM_001363459.2, NM_001167934.2).
Identifiers: ClinVar variation 810940 (VCV000810940.17), dbSNP rs142320735, ClinGen allele CA4246867.

ClinVar aggregate classification (germline): Likely benign. Review status: criteria provided, multiple submitters, no conflicts (2 of 4 stars). 3 submissions from 3 submitters: Likely benign (3). Last evaluated 2024-10-22.

Conditions:
CCM2-related disorder. Also called: CCM2-related condition.
Cerebral cavernous malformation 2. Also called: Familial Cerebral Cavernous Malformation 2. Identifiers: Orphanet 221061, MedGen C1864041, MONDO:0011304, OMIM 603284.

Allele frequency attached by ClinVar (database versions not stated): ESP Exome Variant Server 0.00015; gnomAD 0.00003; TOPMed 0.00004.
gnomAD v4.1: 36 of 1,614,048 alleles (0.0022%); highest among the groups gnomAD compares: Non-Finnish European, 0.0027%; no homozygotes.

Submissions (3):

PreventionGenetics, part of Exact Sciences
Classification: Likely benign for CCM2-related condition. Last evaluated: 2024-10-22. Review status: criteria provided, single submitter. Criteria: ACMG Guidelines, 2015. Collection method: clinical testing. Allele origin: germline.
Comment: This variant is classified as likely benign based on ACMG/AMP sequence variant interpretation guidelines (Richards et al. 2015 PMID: 25741868, with internal and published modifications).

Labcorp Genetics (formerly Invitae), Labcorp
Classification: Likely benign for Cerebral cavernous malformation 2. Last evaluated: 2019-12-03. Review status: criteria provided, single submitter. Criteria: Invitae Variant Classification Sherloc (09022015). Collection method: clinical testing. Allele origin: germline.

ARUP Laboratories, Molecular Genetics and Genomics, ARUP Laboratories
Classification: Likely benign for Cerebral cavernous malformation 2. Last evaluated: 2018-07-05. Review status: criteria provided, single submitter. Criteria: ARUP Molecular Germline Variant Investigation Process. Collection method: clinical testing. Allele origin: germline.